The following is an entry in ClinVar:

ClinVar aggregate classification (germline): Likely benign. Review status: criteria provided, single submitter (1 of 4 stars). 2 submissions from 2 submitters: Likely benign (1). 1 of the submissions does not count toward it. Last evaluated 2020-12-09.

Allele frequency attached by ClinVar (database versions not stated): gnomAD exomes 0.00005; gnomAD 0.00021; TOPMed 0.00034; 1000 Genomes Project 0.00040; 1000 Genomes Project 30x 0.00047.
gnomAD v4.1: 68 of 702,338 alleles (0.0097%); highest among the groups gnomAD compares: Admixed American, 0.086%; 1 homozygote.

Submissions (2):

Blueprint Genetics
Classification: Likely benign. Last evaluated: 2020-12-09. Review status: criteria provided, single submitter. Criteria: ACMG Guidelines, 2015. Collection method: clinical testing. Allele origin: germline.

Department of Pathology and Laboratory Medicine, Sinai Health System
Classification: Uncertain significance. Review status: no assertion criteria provided. Collection method: clinical testing. Allele origin: unknown. Affected: yes. Study: The Canadian Open Genetics Repository (COGR). Not counted in ClinVar's aggregate classification.
Comment: The EYS p.Lys2710Asn variant was not identified in the literature nor was it identified in ClinVar. The variant was identified in dbSNP (ID: rs556660906) and in control databases in 7 of 159806 chromosomes at a frequency of 0.0000438 (Genome Aggregation Database March 6, 2019, v2.1.1). The variant was observed in the following populations: Other in 3 of 5090 chromosomes (freq: 0.000589), Latino in 2 of 25202 chromosomes (freq: 0.000079) and European (non-Finnish) in 2 of 63090 chromosomes (freq: 0.000032), but was not observed in the African, Ashkenazi Jewish, East Asian, European (Finnish), or South Asian populations. The p.Lys2710 residue is conserved in mammals but not in more distantly related organisms however four out of five computational analyses (PolyPhen-2, SIFT, AlignGVGD, BLOSUM, MutationTaster) do not suggest a high likelihood of impact to the protein; this information is not predictive enough to rule out pathogenicity. The variant occurs outside of the splicing consensus sequence and in silico or computational prediction software programs (SpliceSiteFinder, MaxEntScan, NNSPLICE, GeneSplicer) do not predict a difference in splicing. In summary, based on the above information the clinical significance of this variant cannot be determined with certainty at this time. This variant is classified as a variant of uncertain significance.

NM_001142800.2(EYS):c.8072-15237G>C

Gene: EYS (EGF-like photoreceptor maintenance factor; minus strand). Cytogenetic location: 6q12.
Variant type: single nucleotide variant.
Coding change: c.8072-15237G>C on transcript NM_001142800.2 (MANE Select); 15237 bases into the intron before coding-DNA position 8072, G replaced by C.
Molecular consequence: intron variant. On other transcripts: missense variant (1).
Genome position (GRCh38, 1-based): chr6:63,741,917, C>G on the plus strand (G>C on the coding strand, the complement: EYS is on the minus strand). VCF-style: chr6-63741917-C-G. GRCh37 (hg19) VCF-style: chr6-64451810-C-G.
Other names: c.8130G>C, p.Lys2710Asn (NM_001292009.2); short protein forms K2710N.
Identifiers: ClinVar variation 1050774 (VCV001050774.2), dbSNP rs556660906, ClinGen allele CA140239026.
Genomic context (GRCh38, chr6:63,741,917, plus strand): 5'-CTAGGGTAGTCAGGGTAGTCGTATGTTTTTGTTTTGCTGTTTGTACTGGTCCTTACCCTC[C>G]TTCTTCACTTTCCGTTCTGCTGGTTTTGGCTTTTCCAAGATCACAATGAGGATAAGTGCT-3'